The following is an entry in ClinVar:

ClinVar aggregate classification (germline): Pathogenic (1 of 4 stars; one submission).

Conditions:
Hereditary cancer-predisposing syndrome. Also called: Tumor predisposition; Hereditary Cancer Syndrome; Neoplastic Syndromes, Hereditary; Hereditary neoplastic syndrome. Identifiers: Orphanet 140162, MedGen C0027672, MeSH D009386, MONDO:0015356.

Submission:

Ambry Genetics
Classification: Pathogenic for Hereditary cancer-predisposing syndrome. Last evaluated: 2022-07-28. Review status: criteria provided, single submitter. Criteria: Ambry Variant Classification Scheme 2023. Collection method: clinical testing. Allele origin: germline.
Comment: The c.261_262dupAT pathogenic mutation, located in coding exon 1 of the VHL gene, results from a duplication of AT at nucleotide position 261, causing a translational frameshift with a predicted alternate stop codon (p.W88Yfs*72). This alteration occurs at the 3' terminus of theVHL gene, is not expected to trigger nonsense-mediated mRNA decay, and impacts the last 126 amino acids of the protein. However, premature stop codons are typically deleterious in nature and the impacted region is critical for protein function (Ambry internal data). Additionally, other truncating alterations downstream have been observed in individuals with a personal and/or family history that is consistent with Von Hippel-Lindau disease (VHL) (Ambry internal data). The c.261_262dupAT variant is also considered to be rare based on population cohorts in the Genome Aggregation Database (gnomAD). Based on the supporting evidence, this alteration is interpreted as a disease-causing mutation.

NM_000551.4(VHL):c.261_262dup (p.Trp88fs)

Gene: VHL (von Hippel-Lindau tumor suppressor; plus strand). Cytogenetic location: 3p25.3.
Variant type: Duplication.
Coding change: c.261_262dup on transcript NM_000551.4 (MANE Select); coding-DNA positions 261 to 262, 2 bases duplicated (AT; older notation c.261_262dupAT).
Protein change: p.Trp88fs; shifts the reading frame from tryptophan 88.
Molecular consequence: frameshift variant.
Genome position (GRCh38, 1-based): chr3:10,142,108-10,142,109, AT duplicated; duplicating any 2 consecutive bases within chr3:10,142,107-10,142,109 gives the same sequence; the c. name uses the placement nearest the transcript's 3' end. VCF-style (leftmost placement, unchanged base first): chr3-10142106-G-GTA. GRCh37 (hg19) VCF-style: chr3-10183790-G-GTA.
Other names: c.261_262dup, p.Trp88fs (NM_001354723.2, NM_198156.3); c.261_262dupAT (NM_000551.3); short protein forms W88fs.
Identifiers: ClinVar variation 1793789 (VCV001793789.2), dbSNP rs2470158326, ClinGen allele CA2580068401.